The following is an entry in ClinVar:

ClinVar aggregate classification (germline): Uncertain significance (1 of 4 stars; one submission).

Conditions:
EGFR-related lung cancer (EGFR). Identifiers: MedGen CN130014.

Submission:

Labcorp Genetics (formerly Invitae), Labcorp
Classification: Uncertain significance for EGFR-related lung cancer. Last evaluated: 2024-04-11. Review status: criteria provided, single submitter. Criteria: Invitae Variant Classification Sherloc (09022015). Collection method: clinical testing. Allele origin: germline.
Comment: This sequence change replaces arginine, which is basic and polar, with leucine, which is neutral and non-polar, at codon 977 of the EGFR protein (p.Arg977Leu). This variant is not present in population databases (gnomAD no frequency). This variant has not been reported in the literature in individuals affected with EGFR-related conditions. ClinVar contains an entry for this variant (Variation ID: 1507038). Advanced modeling of protein sequence and biophysical properties (such as structural, functional, and spatial information, amino acid conservation, physicochemical variation, residue mobility, and thermodynamic stability) performed at Invitae indicates that this missense variant is expected to disrupt EGFR protein function with a positive predictive value of 80%. In summary, the available evidence is currently insufficient to determine the role of this variant in disease. Therefore, it has been classified as a Variant of Uncertain Significance.

NM_005228.5(EGFR):c.2930G>T (p.Arg977Leu)

Gene: EGFR (epidermal growth factor receptor; plus strand). Cytogenetic location: 7p11.2.
Variant type: single nucleotide variant.
Coding change: c.2930G>T on transcript NM_005228.5 (MANE Select); coding-DNA position 2930, G replaced by T.
Protein change: p.Arg977Leu; replaces arginine 977 with leucine.
Molecular consequence: missense variant.
Genome position (GRCh38, 1-based): chr7:55,200,397, G>T. VCF-style: chr7-55200397-G-T. GRCh37 (hg19) VCF-style: chr7-55268090-G-T.
Other names: c.2795G>T, p.Arg932Leu (NM_001346897.2, NM_001346899.2); c.2930G>T, p.Arg977Leu (NM_001346898.2); c.2771G>T, p.Arg924Leu (NM_001346900.2); c.2129G>T, p.Arg710Leu (NM_001346941.2); short protein forms R977L, R710L, R932L, R924L.
Identifiers: ClinVar variation 1507038 (VCV001507038.8), dbSNP rs745490627, ClinGen allele CA367582024.
Genomic context (GRCh38, chr7:55,200,397, plus strand): 5'-GTCGCCCAAAGTTCCGTGAGTTGATCATCGAATTCTCCAAAATGGCCCGAGACCCCCAGC[G>T]CTACCTTGTCATTCAGGTACAAATTGCAGTCTGTGCTTCCATTGGGAAGAGTCCCTCTAA-3'
Protein context (NP_005219.2, residues 967-987): EFSKMARDPQ[Arg977Leu]YLVIQGDERM